The following is an entry in ClinVar:

ClinVar aggregate classification (germline): Likely benign (0 of 4 stars; one submission).

Conditions:
CACNA1B-related disorder. Also called: CACNA1B-related condition.

Allele frequency attached by ClinVar (database versions not stated): ExAC 0.00008.

Submission:

PreventionGenetics, part of Exact Sciences
Classification: Likely benign for CACNA1B-related condition. Last evaluated: 2020-09-30. Review status: no assertion criteria provided. Collection method: clinical testing. Allele origin: germline.
Comment: This variant is classified as likely benign based on ACMG/AMP sequence variant interpretation guidelines (Richards et al. 2015 PMID: 25741868, with internal and published modifications).

NM_000718.4(CACNA1B):c.450C>A (p.Ile150=)

Genes: CACNA1B (calcium voltage-gated channel subunit alpha1 B; plus strand), CACNA1B-AS2 (CACNA1B antisense RNA 2; minus strand). Cytogenetic location: 9q34.3.
Variant type: single nucleotide variant.
Coding change: c.450C>A on transcript NM_000718.4 (MANE Select); coding-DNA position 450, C replaced by A.
Protein change: p.Ile150=; no amino-acid change (isoleucine 150 retained).
Molecular consequence: synonymous variant.
Genome position (GRCh38, 1-based): chr9:137,882,803, C>A. VCF-style: chr9-137882803-C-A. GRCh37 (hg19) VCF-style: chr9-140777255-C-A.
Other names: c.450C>A, p.Ile150= (NM_001243812.2).
Identifiers: ClinVar variation 3054622 (VCV003054622.2), dbSNP rs199868636, ClinGen allele CA5375806.